The following is an entry in ClinVar:

ClinVar aggregate classification (germline): Uncertain significance (1 of 4 stars; one submission).

Submission:

Labcorp Genetics (formerly Invitae), Labcorp
Classification: Uncertain significance. Last evaluated: 2024-10-14. Review status: criteria provided, single submitter. Criteria: Invitae Variant Classification Sherloc (09022015). Collection method: clinical testing. Allele origin: germline.
Comment: This sequence change replaces isoleucine, which is neutral and non-polar, with threonine, which is neutral and polar, at codon 385 of the SLCO2A1 protein (p.Ile385Thr). This variant is not present in population databases (gnomAD no frequency). This variant has not been reported in the literature in individuals affected with SLCO2A1-related conditions. ClinVar contains an entry for this variant (Variation ID: 1462322). Invitae Evidence Modeling of protein sequence and biophysical properties (such as structural, functional, and spatial information, amino acid conservation, physicochemical variation, residue mobility, and thermodynamic stability) has been performed for this missense variant. However, the output from this modeling did not meet the statistical confidence thresholds required to predict the impact of this variant on SLCO2A1 protein function. In summary, the available evidence is currently insufficient to determine the role of this variant in disease. Therefore, it has been classified as a Variant of Uncertain Significance.

NM_005630.3(SLCO2A1):c.1154T>C (p.Ile385Thr)

Gene: SLCO2A1 (solute carrier organic anion transporter family member 2A1; minus strand). Cytogenetic location: 3q22.1.
Variant type: single nucleotide variant.
Coding change: c.1154T>C on transcript NM_005630.3 (MANE Select); coding-DNA position 1154, T replaced by C.
Protein change: p.Ile385Thr; replaces isoleucine 385 with threonine.
Molecular consequence: missense variant.
Genome position (GRCh38, 1-based): chr3:133,947,397, A>G on the plus strand (T>C on the coding strand, the complement: SLCO2A1 is on the minus strand). VCF-style: chr3-133947397-A-G. GRCh37 (hg19) VCF-style: chr3-133666241-A-G.
Other names: short protein forms I385T.
Identifiers: ClinVar variation 1462322 (VCV001462322.8), dbSNP rs1375512461, ClinGen allele CA354616657.